The following is an entry in ClinVar:

NM_001605.3(AARS1):c.1676C>T (p.Thr559Ile)

Gene: AARS1 (alanyl-tRNA synthetase 1; minus strand). Cytogenetic location: 16q22.1.
Variant type: single nucleotide variant.
Coding change: c.1676C>T on transcript NM_001605.3 (MANE Select); coding-DNA position 1676, C replaced by T.
Protein change: p.Thr559Ile; replaces threonine 559 with isoleucine.
Molecular consequence: missense variant.
Genome position (GRCh38, 1-based): chr16:70,261,153, G>A on the plus strand (C>T on the coding strand, the complement: AARS1 is on the minus strand). VCF-style: chr16-70261153-G-A. GRCh37 (hg19) VCF-style: chr16-70295056-G-A.
Other names: short protein forms T559I.
Identifiers: ClinVar variation 955388 (VCV000955388.8), dbSNP rs1960123149, ClinGen allele CA396559688.
Genomic context (GRCh38, chr16:70,261,153, plus strand): 5'-ATGGTTCCAATGTGTAGCACATACCCTCCTCGGACCTGAGCATTCTTCACTGTAAACTCT[G>A]TTTTCTAAGAGGGGTCAAGGAAGAGACCAATAAATAAATCCTTAAAAACATACAAATTTT-3'
Protein context (NP_001596.2, residues 549-569): VKVDDSSEDK[Thr559Ile]EFTVKNAQVR

ClinVar aggregate classification (germline): Uncertain significance (1 of 4 stars; one submission).

Conditions:
Charcot-Marie-Tooth disease type 2. Also called: Charcot-Marie-Tooth type 2. Identifiers: Orphanet 64746, MedGen C0270914, MONDO:0018993.

gnomAD v4.1: 1 of 1,611,812 alleles (0.000062%); highest among the groups gnomAD compares: Non-Finnish European, 0.000085%; no homozygotes.

Submission:

Labcorp Genetics (formerly Invitae), Labcorp
Classification: Uncertain significance for Charcot-Marie-Tooth disease type 2. Last evaluated: 2022-07-19. Review status: criteria provided, single submitter. Criteria: Invitae Variant Classification Sherloc (09022015). Collection method: clinical testing. Allele origin: germline.
Comment: In summary, the available evidence is currently insufficient to determine the role of this variant in disease. Therefore, it has been classified as a Variant of Uncertain Significance. Algorithms developed to predict the effect of missense changes on protein structure and function (SIFT, PolyPhen-2, Align-GVGD) all suggest that this variant is likely to be tolerated. ClinVar contains an entry for this variant (Variation ID: 955388). This variant has not been reported in the literature in individuals affected with AARS-related conditions. This variant is not present in population databases (gnomAD no frequency). This sequence change replaces threonine, which is neutral and polar, with isoleucine, which is neutral and non-polar, at codon 559 of the AARS protein (p.Thr559Ile).